The following is an entry in ClinVar:

ClinVar aggregate classification (germline): Likely benign. Review status: criteria provided, multiple submitters, no conflicts (2 of 4 stars). 2 submissions from 2 submitters: Likely benign (2). Last evaluated 2025-02-25.

Conditions:
Oligodontia-cancer predisposition syndrome. Also called: TOOTH AGENESIS-COLORECTAL CANCER SYNDROME. Identifiers: Orphanet 300576, MedGen C1837750, MONDO:0012075, OMIM 608615. Disease mechanism: loss of function.

Submissions (2):

Labcorp Genetics (formerly Invitae), Labcorp
Classification: Likely benign for Oligodontia-cancer predisposition syndrome. Last evaluated: 2025-02-25. Review status: criteria provided, single submitter. Criteria: Invitae Variant Classification Sherloc (09022015). Collection method: clinical testing. Allele origin: germline.

Myriad Genetics, Inc.
Classification: Likely benign for Oligodontia-cancer predisposition syndrome. Last evaluated: 2024-07-11. Review status: criteria provided, single submitter. Criteria: Myriad Autosomal Dominant, Autosomal Recessive and X-Linked Classification Criteria (2023). Collection method: clinical testing. Allele origin: unknown.
Comment: This variant is considered likely benign. This variant is intronic and is not expected to impact mRNA splicing.

NM_004655.4(AXIN2):c.2406-17T>C

Gene: AXIN2 (axin 2; minus strand). Cytogenetic location: 17q24.1.
Variant type: single nucleotide variant.
Coding change: c.2406-17T>C on transcript NM_004655.4 (MANE Select); 17 bases into the intron before coding-DNA position 2406, T replaced by C.
Molecular consequence: intron variant.
Genome position (GRCh38, 1-based): chr17:65,530,119, A>G on the plus strand (T>C on the coding strand, the complement: AXIN2 is on the minus strand). VCF-style: chr17-65530119-A-G. GRCh37 (hg19) VCF-style: chr17-63526237-A-G.
Other names: c.2211-17T>C (NM_001363813.1).
Identifiers: ClinVar variation 3378966 (VCV003378966.2).